The following is an entry in ClinVar:

NM_017950.4(CCDC40):c.2627A>G (p.Glu876Gly)

Gene: CCDC40 (coiled-coil domain 40 molecular ruler complex subunit; plus strand). Cytogenetic location: 17q25.3.
Variant type: single nucleotide variant.
Coding change: c.2627A>G on transcript NM_017950.4 (MANE Select); coding-DNA position 2627, A replaced by G.
Protein change: p.Glu876Gly; replaces glutamic acid 876 with glycine.
Molecular consequence: missense variant.
Genome position (GRCh38, 1-based): chr17:80,088,018, A>G. VCF-style: chr17-80088018-A-G. GRCh37 (hg19) VCF-style: chr17-78061817-A-G.
Other names: c.2627A>G, p.Glu876Gly (NM_001243342.2); short protein forms E876G.
Identifiers: ClinVar variation 2338527 (VCV002338527.3), dbSNP rs779799111, ClinGen allele CA8814288.

ClinVar aggregate classification (germline): Uncertain significance. Review status: criteria provided, multiple submitters, no conflicts (2 of 4 stars). 2 submissions from 2 submitters: Uncertain significance (2). Last evaluated 2023-05-31.

Conditions:
CCDC40-related disorder. Also called: CCDC40-related condition.
Primary ciliary dyskinesia. Also called: Ciliary dyskinesia. Identifiers: Orphanet 244, MedGen C0008780, MONDO:0016575, HP:0012265.

Allele frequency attached by ClinVar (database versions not stated): ExAC 0.00001; gnomAD exomes below 0.00001; TOPMed below 0.00001.
gnomAD v4.1: 5 of 1,551,556 alleles (0.00032%); highest among the groups gnomAD compares: Non-Finnish European, 0.00035%; no homozygotes.

Submissions (2):

PreventionGenetics, part of Exact Sciences
Classification: Uncertain significance for CCDC40-related condition. Last evaluated: 2023-05-31. Review status: criteria provided, single submitter. Criteria: ACMG Guidelines, 2015. Collection method: clinical testing. Allele origin: germline.
Comment: The CCDC40 c.2627A>G variant is predicted to result in the amino acid substitution p.Glu876Gly. To our knowledge, this variant has not been reported in the literature. This variant is reported in 0.0018% of alleles in individuals of European (Non-Finnish) descent in gnomAD. At this time, the clinical significance of this variant is uncertain due to the absence of conclusive functional and genetic evidence.

Ambry Genetics
Classification: Uncertain significance for Primary ciliary dyskinesia. Last evaluated: 2022-12-21. Review status: criteria provided, single submitter. Criteria: Ambry Variant Classification Scheme 2023. Collection method: clinical testing. Allele origin: germline.